The following is an entry in ClinVar:

NM_000260.4(MYO7A):c.2882dup (p.Gln962fs)

Gene: MYO7A (myosin VIIA; plus strand). Cytogenetic location: 11q13.5.
Variant type: Duplication.
Coding change: c.2882dup on transcript NM_000260.4 (MANE Select); coding-DNA position 2882, one base duplicated (G; older notation c.2882dupG).
Protein change: p.Gln962fs; shifts the reading frame from glutamine 962.
Molecular consequence: frameshift variant.
Genome position (GRCh38, 1-based): chr11:77,181,567, G duplicated; the last of 3 consecutive G bases (chr11:77,181,565-77,181,567); duplicating any one gives the same sequence. VCF-style (leftmost placement, unchanged base first): chr11-77181564-A-AG. GRCh37 (hg19) VCF-style: chr11-76892610-A-AG.
Other names: c.2882dup, p.Gln962fs (NM_001127180.2); c.2849dup, p.Gln951fs (NM_001369365.1); short protein forms Q951fs, Q962fs.
Identifiers: ClinVar variation 5011843 (VCV005011843.1).

ClinVar aggregate classification (germline): Pathogenic (1 of 4 stars; one submission).

Conditions:
Usher syndrome type 1 (USH1). Also called: RETINITIS PIGMENTOSA AND CONGENITAL DEAFNESS. Identifiers: Orphanet 231169, Orphanet 886, MedGen C1568247, MONDO:0010168, OMIM 276900.

Submission:

Myriad Genetics, Inc.
Classification: Pathogenic for Usher syndrome type 1. Last evaluated: 2023-09-27. Review status: criteria provided, single submitter. Criteria: Myriad Autosomal Dominant, Autosomal Recessive and X-Linked Classification Criteria (2023). Collection method: clinical testing. Allele origin: unknown.
Comment: NM_000260.3(MYO7A):c.2882dupG(Q962Pfs*4) is expected to be pathogenic in the context of MYO7A-related disorders. This variant is predicted to lead to an abnormal or absent protein product due to the creation of a premature termination codon in MYO7A, a gene where loss-of-function variants are known to be pathogenic. Please note: this variant was assessed in the context of healthy population screening.